The following is an entry in ClinVar:

NM_006343.3(MERTK):c.2201A>T (p.Asp734Val)

Gene: MERTK (MER proto-oncogene, tyrosine kinase; plus strand). Cytogenetic location: 2q13.
Variant type: single nucleotide variant.
Coding change: c.2201A>T on transcript NM_006343.3 (MANE Select); coding-DNA position 2201, A replaced by T.
Protein change: p.Asp734Val; replaces aspartic acid 734 with valine.
Molecular consequence: missense variant.
Genome position (GRCh38, 1-based): chr2:112,021,433, A>T. VCF-style: chr2-112021433-A-T. GRCh37 (hg19) VCF-style: chr2-112779010-A-T.
Other names: short protein forms D734V.
Identifiers: ClinVar variation 857270 (VCV000857270.8), dbSNP rs770407830, ClinGen allele CA1831773.

ClinVar aggregate classification (germline): Uncertain significance. Review status: criteria provided, multiple submitters, no conflicts (2 of 4 stars). 3 submissions from 3 submitters: Uncertain significance (3). Last evaluated 2026-01-26.

Conditions:
Inborn genetic diseases. Identifiers: MedGen C0950123, MeSH D030342.

Allele frequency attached by ClinVar (database versions not stated): gnomAD exomes 0.00001 and 0.00005; gnomAD 0.00003; ExAC 0.00005; TOPMed 0.00006.
gnomAD v4.1: 29 of 1,613,276 alleles (0.0018%); highest among the groups gnomAD compares: Middle Eastern, 0.036%; no homozygotes.

Submissions (3):

Labcorp Genetics (formerly Invitae), Labcorp
Classification: Uncertain significance. Last evaluated: 2026-01-26. Review status: criteria provided, single submitter. Criteria: Invitae Variant Classification Sherloc (09022015). Collection method: clinical testing. Allele origin: germline.
Comment: This sequence change replaces aspartic acid, which is acidic and polar, with valine, which is neutral and non-polar, at codon 734 of the MERTK protein (p.Asp734Val). This variant is present in population databases (rs770407830, gnomAD 0.01%). This variant has not been reported in the literature in individuals affected with MERTK-related conditions. ClinVar contains an entry for this variant (Variation ID: 857270). Invitae Evidence Modeling of protein sequence and biophysical properties (such as structural, functional, and spatial information, amino acid conservation, physicochemical variation, residue mobility, and thermodynamic stability) indicates that this missense variant is expected to disrupt MERTK protein function with a positive predictive value of 80%. In summary, the available evidence is currently insufficient to determine the role of this variant in disease. Therefore, it has been classified as a Variant of Uncertain Significance.

Blueprint Genetics
Classification: Uncertain significance. Last evaluated: 2023-12-01. Review status: criteria provided, single submitter. Criteria: ACMG Guidelines, 2015. Collection method: clinical testing. Allele origin: germline.

Ambry Genetics
Classification: Uncertain significance for Inborn genetic diseases. Last evaluated: 2021-11-09. Review status: criteria provided, single submitter. Criteria: Ambry Variant Classification Scheme 2023. Collection method: clinical testing. Allele origin: germline.